The following is an entry in ClinVar:

ClinVar aggregate classification (germline): Uncertain significance (1 of 4 stars; one submission).

Conditions:
Mosaic variegated aneuploidy syndrome 1 (MVA1). Also called: Warburton-Anyane-Yeboa syndrome. Identifiers: Orphanet 1052, MedGen C1850343, MONDO:0009759, OMIM 257300.

gnomAD v4.1: 11 of 1,613,904 alleles (0.00068%); highest among the groups gnomAD compares: Middle Eastern, 0.05%; no homozygotes.

Submission:

Labcorp Genetics (formerly Invitae), Labcorp
Classification: Uncertain significance for Mosaic variegated aneuploidy syndrome 1. Last evaluated: 2024-12-28. Review status: criteria provided, single submitter. Criteria: Invitae Variant Classification Sherloc (09022015). Collection method: clinical testing. Allele origin: germline.
Comment: This sequence change replaces arginine, which is basic and polar, with histidine, which is basic and polar, at codon 727 of the BUB1B protein (p.Arg727His). This variant is not present in population databases (gnomAD no frequency). This variant has not been reported in the literature in individuals affected with BUB1B-related conditions. An algorithm developed to predict the effect of missense changes on protein structure and function (PolyPhen-2) suggests that this variant is likely to be tolerated. In summary, the available evidence is currently insufficient to determine the role of this variant in disease. Therefore, it has been classified as a Variant of Uncertain Significance.

NM_001211.6(BUB1B):c.2180G>A (p.Arg727His)

Gene: BUB1B (BUB1 mitotic checkpoint serine/threonine kinase B; plus strand). Cytogenetic location: 15q15.1.
Variant type: single nucleotide variant.
Coding change: c.2180G>A on transcript NM_001211.6 (MANE Select); coding-DNA position 2180, G replaced by A.
Protein change: p.Arg727His; replaces arginine 727 with histidine.
Molecular consequence: missense variant.
Genome position (GRCh38, 1-based): chr15:40,209,671, G>A. VCF-style: chr15-40209671-G-A. GRCh37 (hg19) VCF-style: chr15-40501872-G-A.
Other names: short protein forms R727H.
Identifiers: ClinVar variation 3634370 (VCV003634370.2).
Genomic context (GRCh38, chr15:40,209,671, plus strand): 5'-TTCACCTTTCCCTCCCACTGGCAGAAAACCCTACTCAGTCACCATGGTGTTCACAGTATC[G>A]CAGACAGCTACTGAAGTCCCTACCAGAGTTAAGTGCCTCTGCAGAGTTGTGTATAGAAGA-3'
Protein context (NP_001202.5, residues 717-737): PTQSPWCSQY[Arg727His]RQLLKSLPEL